The following is an entry in ClinVar:

ClinVar aggregate classification (germline): Pathogenic. Review status: no assertion criteria provided (0 of 4 stars). 2 submissions from 2 submitters: Pathogenic (2). Last evaluated 2022-07-15.

Conditions:
Vertebral, cardiac, renal, and limb defects syndrome 1. Also called: 3-HYDROXYANTHRANILIC ACIDEMIA; CONGENITAL NAD DEFICIENCY DISORDER 1. Identifiers: MedGen C4540004, MONDO:0060554, OMIM 617660.
Congenital NAD deficiency disorder. Identifiers: MedGen CN241975.

Submissions (2):

OMIM
Classification: Pathogenic for VERTEBRAL, CARDIAC, RENAL, AND LIMB DEFECTS SYNDROME 1. Last evaluated: 2022-07-15. Review status: no assertion criteria provided. Collection method: literature only. Allele origin: germline.

Embryology Laboratory, Victor Chang Cardiac Research Institute
Classification: Pathogenic for Congenital NAD Deficiency Disorder. Last evaluated: 2020-11-11. Review status: no assertion criteria provided. Collection method: research. Allele origin: inherited. Inheritance: Autosomal recessive inheritance. Affected: yes. Observed: 1 variant allele, 1 homozygote.

Literature cited by the submitters: PubMed 33942433 (cited by OMIM and Embryology Laboratory, Victor Chang Cardiac Research Institute).

NM_012205.3(HAAO):c.43del (p.Arg15fs)

Genes: HAAO (3-hydroxyanthranilate 3,4-dioxygenase; minus strand), LOC129933588 (ATAC-STARR-seq lymphoblastoid silent region 11411; plus strand). Cytogenetic location: 2p21.
Variant type: Deletion.
Coding change: c.43del on transcript NM_012205.3 (MANE Select); coding-DNA position 43, one base deleted (C; older notation c.43delC).
Protein change: p.Arg15fs; shifts the reading frame from arginine 15.
Molecular consequence: frameshift variant.
Genome position (GRCh38, 1-based): chr2:42,792,494, G deleted on the plus strand (C on the coding strand, the reverse complement: HAAO is on the minus strand); the first of 2 consecutive G bases (chr2:42,792,494-42,792,495); deleting either gives the same sequence. VCF-style (leftmost placement, unchanged base first): chr2-42792493-CG-C. GRCh37 (hg19) VCF-style: chr2-43019633-CG-C.
Other names: short protein forms R15fs.
Identifiers: ClinVar variation 988086 (VCV000988086.3), dbSNP rs1558680405, ClinGen allele CA532251977.